The following is an entry in ClinVar:

NM_001350162.2(TEX15):c.8622C>A (p.Ser2874=)

Gene: TEX15 (testis expressed 15, meiosis and synapsis associated; minus strand). Cytogenetic location: 8p12.
Variant type: single nucleotide variant.
Coding change: c.8622C>A on transcript NM_001350162.2 (MANE Select); coding-DNA position 8622, C replaced by A.
Protein change: p.Ser2874=; no amino-acid change (serine 2874 retained).
Molecular consequence: synonymous variant.
Genome position (GRCh38, 1-based): chr8:30,837,662, G>T on the plus strand (C>A on the coding strand, the complement: TEX15 is on the minus strand). VCF-style: chr8-30837662-G-T. GRCh37 (hg19) VCF-style: chr8-30695178-G-T.
Other names: c.7473C>A (NM_031271.3).
Identifiers: ClinVar variation 771877 (VCV000771877.25), dbSNP rs2978065, ClinGen allele CA4702277.

ClinVar aggregate classification (germline): Benign/Likely benign. Review status: criteria provided, multiple submitters, no conflicts (2 of 4 stars). 5 submissions from 5 submitters: Benign (2); Likely benign (2). 1 of the submissions does not count toward it. Last evaluated 2024-11-27.

Conditions:
TEX15-related disorder. Also called: TEX15-related condition.

Allele frequency attached by ClinVar (database versions not stated): gnomAD 0.00296 and 0.00298; ESP Exome Variant Server 0.00331; ExAC 0.00337; gnomAD exomes 0.00349 and 0.00422; 1000 Genomes Project 30x 0.00219; 1000 Genomes Project 0.00280; TOPMed 0.00290.
gnomAD v4.1: 6,644 of 1,614,022 alleles (0.41%); highest among the groups gnomAD compares: Middle Eastern, 0.46%; 23 homozygotes.

Submissions (5):

Blueprint Genetics
Classification: Likely benign. Last evaluated: 2024-11-27. Review status: criteria provided, single submitter. Criteria: ACMG Guidelines, 2015. Collection method: clinical testing. Allele origin: germline.

CeGaT Center for Human Genetics Tuebingen
Classification: Likely benign. Last evaluated: 2024-05-01. Review status: criteria provided, single submitter. Criteria: CeGaT Center For Human Genetics Tuebingen Variant Classification Criteria Version 2. Collection method: clinical testing. Allele origin: germline. Affected: yes. Observed: 1 variant allele.
Comment: TEX15: BP4, BP7, BS2

Labcorp Genetics (formerly Invitae), Labcorp
Classification: Benign. Last evaluated: 2018-12-28. Review status: criteria provided, single submitter. Criteria: Invitae Variant Classification Sherloc (09022015). Collection method: clinical testing. Allele origin: germline.

Breakthrough Genomics
Classification: Benign. Review status: criteria provided, single submitter. Criteria: ACMG Guidelines, 2015. Collection method: not provided. Allele origin: germline. Inheritance: Autosomal recessive inheritance. Affected: yes.

PreventionGenetics, part of Exact Sciences
Classification: Benign for TEX15-related condition. Last evaluated: 2019-06-13. Review status: no assertion criteria provided. Collection method: clinical testing. Allele origin: germline. Not counted in ClinVar's aggregate classification.
Comment: This variant is classified as benign based on ACMG/AMP sequence variant interpretation guidelines (Richards et al. 2015 PMID: 25741868, with internal and published modifications).